The following is an entry in ClinVar:

ClinVar aggregate classification (germline): Uncertain significance (1 of 4 stars; one submission).

Conditions:
EGFR-related lung cancer (EGFR). Identifiers: MedGen CN130014.

Submission:

Labcorp Genetics (formerly Invitae), Labcorp
Classification: Uncertain significance for EGFR-related lung cancer. Last evaluated: 2022-10-21. Review status: criteria provided, single submitter. Criteria: Invitae Variant Classification Sherloc (09022015). Collection method: clinical testing. Allele origin: germline.
Comment: This sequence change replaces threonine, which is neutral and polar, with serine, which is neutral and polar, at codon 1150 of the EGFR protein (p.Thr1150Ser). This variant is not present in population databases (gnomAD no frequency). This variant has not been reported in the literature in individuals affected with EGFR-related conditions. Algorithms developed to predict the effect of missense changes on protein structure and function (SIFT, PolyPhen-2, Align-GVGD) all suggest that this variant is likely to be tolerated. In summary, the available evidence is currently insufficient to determine the role of this variant in disease. Therefore, it has been classified as a Variant of Uncertain Significance.

NM_005228.5(EGFR):c.3448A>T (p.Thr1150Ser)

Gene: EGFR (epidermal growth factor receptor; plus strand). Cytogenetic location: 7p11.2.
Variant type: single nucleotide variant.
Coding change: c.3448A>T on transcript NM_005228.5 (MANE Select); coding-DNA position 3448, A replaced by T.
Protein change: p.Thr1150Ser; replaces threonine 1150 with serine.
Molecular consequence: missense variant.
Genome position (GRCh38, 1-based): chr7:55,205,432, A>T. VCF-style: chr7-55205432-A-T. GRCh37 (hg19) VCF-style: chr7-55273125-A-T.
Other names: c.3313A>T, p.Thr1105Ser (NM_001346899.2); c.3289A>T, p.Thr1097Ser (NM_001346900.2); c.2647A>T, p.Thr883Ser (NM_001346941.2); short protein forms T1097S, T1105S, T1150S, T883S.
Identifiers: ClinVar variation 1721275 (VCV001721275.5), dbSNP rs2128975384, ClinGen allele CA367584642.